The following is an entry in ClinVar:

ClinVar aggregate classification (germline): Uncertain significance (1 of 4 stars; one submission).

Submission:

GeneDx
Classification: Uncertain significance. Last evaluated: 2025-04-10. Review status: criteria provided, single submitter. Criteria: GeneDx Variant Classification Process June 2021. Collection method: clinical testing. Allele origin: germline. Affected: yes.
Comment: Not observed at significant frequency in large population cohorts (gnomAD); Has not been previously published as pathogenic or benign to our knowledge; Frameshift variant predicted to result in protein truncation or nonsense mediated decay in a gene for which loss-of-function is not a known mechanism of disease

NM_001144967.3(NEDD4L):c.2149del (p.Ala717fs)

Gene: NEDD4L (NEDD4 like E3 ubiquitin protein ligase; plus strand). Cytogenetic location: 18q21.31.
Variant type: Deletion.
Coding change: c.2149del on transcript NM_001144967.3 (MANE Select); coding-DNA position 2149, one base deleted (G; older notation c.2149delG).
Protein change: p.Ala717fs; shifts the reading frame from alanine 717.
Molecular consequence: frameshift variant.
Genome position (GRCh38, 1-based): chr18:58,367,831, G deleted. VCF-style (leftmost placement, unchanged base first): chr18-58367830-TG-T. GRCh37 (hg19) VCF-style: chr18-56035062-TG-T.
Other names: c.1786del, p.Ala596fs (NM_001144964.1, NM_001144965.2, NM_001144966.3); c.2125del, p.Ala709fs (NM_001144968.2); c.2065del, p.Ala689fs (NM_001144969.2); c.1726del, p.Ala576fs (NM_001144970.3, NM_001144971.2); c.1957del, p.Ala653fs (NM_001243960.2); c.2986del, p.Ala996fs (NM_001437337.1); c.2089del, p.Ala697fs (NM_015277.6); short protein forms A576fs, A596fs, A653fs, A689fs, A697fs, A709fs, A717fs, A996fs.
Identifiers: ClinVar variation 4281772 (VCV004281772.1).